The following is an entry in ClinVar:

GRCh37/hg19 Xp22.33-22.32(chrX:1919821-4613977)x0

Genes: ARSH (arylsulfatase family member H; plus strand), ARSD (arylsulfatase D; minus strand), ARSD-AS1 (ARSD antisense RNA 1; plus strand), ARSF (arylsulfatase F; plus strand), ARSL (arylsulfatase L; minus strand) and 4 more. Cytogenetic location: Xp22.33-22.32.
Variant type: copy number loss.
Change: copy number 0 of chrX:1,919,821-4,613,977 (2.69 Mb, GRCh37 coordinates, 1-based), cytogenetic band Xp22.33-22.32.
Identifiers: ClinVar variation 3148934 (VCV003148934.2).

ClinVar aggregate classification (germline): no classifications from unflagged records (0 of 4 stars; one submission).

Submission:

Prenatal Diagnosis Center, Urumqi Maternal and Child Health Care Hospital
Classification: Uncertain significance. Review status: flagged submission. Criteria: ACMG/ClinGen CNV Guidelines, 2019. Collection method: clinical testing. Allele origin: unknown.
ClinVar note: Notes: This submission was flagged because its interpretation of this variant conflicts with the ClinGen Gene Dosage Map curation for the gene ARSL.
ClinVar note: Reason: Conflict with ClinGen Gene Dosage Map